The following is an entry in ClinVar:

NM_004329.3(BMPR1A):c.44_47del (p.Leu15fs)

Gene: BMPR1A (bone morphogenetic protein receptor type 1A; plus strand). Cytogenetic location: 10q23.2.
Variant type: Deletion.
Coding change: c.44_47del on transcript NM_004329.3 (MANE Select); coding-DNA positions 44 to 47, 4 bases deleted (TGTT; older notation c.44_47delTGTT).
Protein change: p.Leu15fs; shifts the reading frame from leucine 15.
Molecular consequence: frameshift variant.
Genome position (GRCh38, 1-based): chr10:86,876,062-86,876,065, TGTT deleted; deleting any 4 consecutive bases within chr10:86,876,060-86,876,065 gives the same sequence; the c. name uses the placement nearest the transcript's 3' end. VCF-style (leftmost placement, unchanged base first): chr10-86876059-ATTTG-A. GRCh37 (hg19) VCF-style: chr10-88635816-ATTTG-A.
Other names: c.44_47delTGTT (NM_004329.2); short protein forms L15fs.
Identifiers: ClinVar variation 529908 (VCV000529908.15), dbSNP rs1554886816, ClinGen allele CA658797453.

ClinVar aggregate classification (germline): Pathogenic. Review status: criteria provided, multiple submitters, no conflicts (2 of 4 stars). 4 submissions from 4 submitters: Pathogenic (3). 1 of the submissions does not count toward it. Last evaluated 2020-01-23.

Conditions:
Hereditary cancer-predisposing syndrome. Also called: Neoplastic Syndromes, Hereditary; Hereditary neoplastic syndrome; Tumor predisposition; Hereditary Cancer Syndrome. Identifiers: Orphanet 140162, MedGen C0027672, MeSH D009386, MONDO:0015356.
Generalized juvenile polyposis/juvenile polyposis coli. Also called: Juvenile polyposis coli. Identifiers: Orphanet 329971, MedGen C1868081, MONDO:0008276.
Juvenile polyposis syndrome (JPS). Identifiers: Orphanet 2929, MedGen C0345893, MONDO:0017380, OMIM 174900.

Submissions (4):

Labcorp Genetics (formerly Invitae), Labcorp
Classification: Pathogenic for Juvenile polyposis syndrome. Last evaluated: 2020-01-23. Review status: criteria provided, single submitter. Criteria: Invitae Variant Classification Sherloc (09022015). Collection method: clinical testing. Allele origin: germline.
Comment: For these reasons, this variant has been classified as Pathogenic. Loss-of-function variants in BMPR1A are known to be pathogenic (PMID: 11536076, 12417513). This variant has been reported in individuals affected with juvenile polyposis and colon cancer (PMID: 11381269) and has been reported to segregate with juvenile polyposis syndrome (JPS) in a single family (PMID: 23399955). This variant is not present in population databases (ExAC no frequency). This sequence change creates a premature translational stop signal (p.Leu15Serfs*20) in the BMPR1A gene. It is expected to result in an absent or disrupted protein product.

Ambry Genetics
Classification: Pathogenic for Hereditary cancer-predisposing syndrome. Last evaluated: 2018-12-31. Review status: criteria provided, single submitter. Criteria: Ambry Variant Classification Scheme 2023. Collection method: clinical testing. Allele origin: germline.
Comment: The c.44_47delTGTT pathogenic mutation, located in coding exon 1 of the BMPR1A gene, results from a deletion of 4 nucleotides at nucleotide positions 44 to 47, causing a translational frameshift with a predicted alternate stop codon (p.L15Sfs*20). This alteration segregated with disease in 8 members of a juvenile polyposis family and was not seen in four unaffected family members (Howe JR et al. Nat. Genet., 2001 Jun;28:184-7). It was also seen in two patients with juvenile polyps who also had colon cancer ( (Ngeow J et al. Gastroenterology, 2013 Jun;144:1402-9, 1409.e1-5). In addition to the clinical data presented in the literature, this alteration is expected to result in loss of function by premature protein truncation or nonsense-mediated mRNA decay. As such, this alteration is interpreted as a disease-causing mutation.

CENTOGENE GmbH and LLC - Guiding Precision Medicine
Classification: Pathogenic for Juvenile polyposis syndrome. Review status: criteria provided, single submitter. Criteria: ACMG Guidelines, 2015. Collection method: clinical testing. Allele origin: germline. Affected: yes.

OMIM
Classification: Pathogenic for JUVENILE POLYPOSIS SYNDROME. Last evaluated: 2001-06-01. Review status: no assertion criteria provided. Collection method: literature only. Allele origin: germline. Not counted in ClinVar's aggregate classification.

Literature cited by the submitters: PubMed 11536076 (cited by Labcorp Genetics (formerly Invitae), Labcorp); PubMed 12417513 (cited by Labcorp Genetics (formerly Invitae), Labcorp); PubMed 11381269 (cited by 3 submitters); PubMed 23399955 (cited by Labcorp Genetics (formerly Invitae), Labcorp and Ambry Genetics).